The following is an entry in ClinVar:

ClinVar aggregate classification (germline): Uncertain significance (1 of 4 stars; one submission).

Submission:

Greenwood Genetic Center Diagnostic Laboratories, Greenwood Genetic Center
Classification: Uncertain significance. Last evaluated: 2024-04-30. Review status: criteria provided, single submitter. Criteria: ACMG Guidelines, 2015. Collection method: clinical testing. Allele origin: germline. Affected: yes.
Comment: Gene of Uncertain Significance

NM_003458.4(BSN):c.1602del (p.Thr535fs)

Gene: BSN (bassoon presynaptic cytomatrix protein; plus strand). Cytogenetic location: 3p21.31.
Variant type: Deletion.
Coding change: c.1602del on transcript NM_003458.4 (MANE Select); coding-DNA position 1602, one base deleted (C; older notation c.1602delC).
Protein change: p.Thr535fs; shifts the reading frame from threonine 535.
Molecular consequence: frameshift variant.
Genome position (GRCh38, 1-based): chr3:49,650,695, C deleted; the last of 3 consecutive C bases (chr3:49,650,693-49,650,695); deleting any one gives the same sequence. VCF-style (leftmost placement, unchanged base first): chr3-49650692-GC-G. GRCh37 (hg19) VCF-style: chr3-49688125-GC-G.
Other names: short protein forms T535fs.
Identifiers: ClinVar variation 3338606 (VCV003338606.1).
Genomic context (GRCh38, chr3:49,650,692, plus strand): 5'-GAACTGCCAAACCAAGCGGCTACTGGAGGGCAGCCTAGGAGAGCCGACCCCCCTGCCGCC[GC>G]CCACCTCACAGCAGCCCCCTGTAGGGGCCCCTCACCGTGCATCTGGAACATCCCCTCTGA-3'